The following is an entry in ClinVar:

ClinVar aggregate classification (germline): Uncertain significance (1 of 4 stars; one submission).

Allele frequency attached by ClinVar (database versions not stated): gnomAD exomes below 0.00001; gnomAD 0.00001; TOPMed 0.00002.

Submission:

Labcorp Genetics (formerly Invitae), Labcorp
Classification: Uncertain significance. Last evaluated: 2026-01-08. Review status: criteria provided, single submitter. Criteria: Invitae Variant Classification Sherloc (09022015). Collection method: clinical testing. Allele origin: germline.
Comment: This sequence change replaces proline, which is neutral and non-polar, with threonine, which is neutral and polar, at codon 1460 of the COL4A6 protein (p.Pro1460Thr). This variant is present in population databases (rs780374987, gnomAD 0.008%). This variant has not been reported in the literature in individuals affected with COL4A6-related conditions. ClinVar contains an entry for this variant (Variation ID: 1986746). Invitae Evidence Modeling of protein sequence and biophysical properties (such as structural, functional, and spatial information, amino acid conservation, physicochemical variation, residue mobility, and thermodynamic stability) indicates that this missense variant is not expected to disrupt COL4A6 protein function with a negative predictive value of 80%. In summary, the available evidence is currently insufficient to determine the role of this variant in disease. Therefore, it has been classified as a Variant of Uncertain Significance.

NM_033641.4(COL4A6):c.4375C>A (p.Pro1459Thr)

Gene: COL4A6 (collagen type IV alpha 6 chain; minus strand). Cytogenetic location: Xq22.3.
Variant type: single nucleotide variant.
Coding change: c.4375C>A on transcript NM_033641.4 (MANE Select); coding-DNA position 4375, C replaced by A.
Protein change: p.Pro1459Thr; replaces proline 1459 with threonine.
Molecular consequence: missense variant.
Genome position (GRCh38, 1-based): chrX:108,160,613, G>T on the plus strand (C>A on the coding strand, the complement: COL4A6 is on the minus strand). VCF-style: chrX-108160613-G-T. GRCh37 (hg19) VCF-style: chrX-107403843-G-T.
Other names: c.4426C>A, p.Pro1476Thr (NM_001287758.2); c.4303C>A, p.Pro1435Thr (NM_001287759.2); c.4204C>A, p.Pro1402Thr (NM_001287760.2); c.4378C>A, p.Pro1460Thr (NM_001847.4); short protein forms P1459T, P1460T, P1476T, P1402T, P1435T.
Identifiers: ClinVar variation 1986746 (VCV001986746.4), dbSNP rs780374987, ClinGen allele CA334034789.